The following is an entry in ClinVar:

ClinVar aggregate classification (germline): Uncertain significance. Review status: criteria provided, multiple submitters, no conflicts (2 of 4 stars). 3 submissions from 3 submitters: Uncertain significance (3). Last evaluated 2025-11-12.

Conditions:
Catecholaminergic polymorphic ventricular tachycardia (CVPT). Also called: Catecholamine-induced polymorphic ventricular tachycardia. Identifiers: Orphanet 3286, MedGen C5574922, MONDO:0017990.
Catecholaminergic polymorphic ventricular tachycardia 1. Also called: VENTRICULAR TACHYCARDIA, STRESS-INDUCED POLYMORPHIC 1; VENTRICULAR TACHYCARDIA, CATECHOLAMINERGIC POLYMORPHIC, 1, WITH OR WITHOUT ATRIAL DYSFUNCTION AND/OR DILATED CARDIOMYOPATHY; RYR2-Related Catecholaminergic Polymorphic Ventricular Tachycardia. Identifiers: Orphanet 3286, MedGen C1631597, MONDO:0011484, OMIM 604772.
Cardiomyopathy (CMYO). Also called: Cardiomyopathies. Identifiers: Orphanet 167848, MedGen C0878544, MONDO:0004994, HP:0001638. Inheritance: Various modes of inheritance.

Allele frequency attached by ClinVar (database versions not stated): TOPMed below 0.00001; gnomAD 0.00001.
gnomAD v4.1: 6 of 1,612,030 alleles (0.00037%); highest among the groups gnomAD compares: Non-Finnish European, 0.00051%; no homozygotes.

Submissions (3):

Labcorp Genetics (formerly Invitae), Labcorp
Classification: Uncertain significance for Catecholaminergic polymorphic ventricular tachycardia 1. Last evaluated: 2025-11-12. Review status: criteria provided, single submitter. Criteria: Invitae Variant Classification Sherloc (09022015). Collection method: clinical testing. Allele origin: germline.
Comment: This sequence change replaces tyrosine, which is neutral and polar, with cysteine, which is neutral and slightly polar, at codon 2874 of the RYR2 protein (p.Tyr2874Cys). This variant is not present in population databases (gnomAD no frequency). This variant has not been reported in the literature in individuals affected with RYR2-related conditions. ClinVar contains an entry for this variant (Variation ID: 1171511). Invitae Evidence Modeling of protein sequence and biophysical properties (such as structural, functional, and spatial information, amino acid conservation, physicochemical variation, residue mobility, and thermodynamic stability) indicates that this missense variant is expected to disrupt RYR2 protein function with a positive predictive value of 95%. In summary, the available evidence is currently insufficient to determine the role of this variant in disease. Therefore, it has been classified as a Variant of Uncertain Significance.

All of Us Research Program, National Institutes of Health
Classification: Uncertain significance for Catecholaminergic polymorphic ventricular tachycardia. Last evaluated: 2024-05-14. Review status: criteria provided, single submitter. Criteria: ACMG Guidelines, 2015. Collection method: clinical testing. Allele origin: germline. Inheritance: Autosomal dominant inheritance. Observed: 2 variant alleles, 2 heterozygotes.
Comment: This missense variant replaces tyrosine with cysteine at codon 2874 of the RYR2 protein. Computational prediction suggests that this variant may have deleterious impact on protein structure and function (internally defined REVEL score threshold >= 0.7, PMID: 27666373). To our knowledge, functional studies have not been reported for this variant. This variant has not been reported in individuals affected with cardiovascular disorders in the literature. This variant has not been identified in the general population by the Genome Aggregation Database (gnomAD). The available evidence is insufficient to determine the role of this variant in disease conclusively. Therefore, this variant is classified as a Variant of Uncertain Significance.

This study involves interpretation of variants in research participants for the purpose of population health screening. Participant phenotype was not available at the time of variant classification. Additional details can be found in publication PMID: 35346344, PMCID: PMC8962531

Color Diagnostics, LLC DBA Color Health
Classification: Uncertain significance for Cardiomyopathy. Last evaluated: 2024-03-07. Review status: criteria provided, single submitter. Criteria: ACMG Guidelines, 2015. Collection method: clinical testing. Allele origin: germline.
Comment: This missense variant replaces tyrosine with cysteine at codon 2874 of the RYR2 protein. Computational prediction suggests that this variant may have deleterious impact on protein structure and function (internally defined REVEL score threshold >= 0.7, PMID: 27666373). To our knowledge, functional studies have not been reported for this variant. This variant has not been reported in individuals affected with cardiovascular disorders in the literature. This variant has not been identified in the general population by the Genome Aggregation Database (gnomAD). The available evidence is insufficient to determine the role of this variant in disease conclusively. Therefore, this variant is classified as a Variant of Uncertain Significance.

NM_001035.3(RYR2):c.8621A>G (p.Tyr2874Cys)

Gene: RYR2 (ryanodine receptor 2; plus strand). Cytogenetic location: 1q43.
Variant type: single nucleotide variant.
Coding change: c.8621A>G on transcript NM_001035.3 (MANE Select); coding-DNA position 8621, A replaced by G.
Protein change: p.Tyr2874Cys; replaces tyrosine 2874 with cysteine.
Molecular consequence: missense variant.
Genome position (GRCh38, 1-based): chr1:237,674,126, A>G. VCF-style: chr1-237674126-A-G. GRCh37 (hg19) VCF-style: chr1-237837426-A-G.
Other names: short protein forms Y2874C.
Identifiers: ClinVar variation 1171511 (VCV001171511.10), dbSNP rs1481998485, ClinGen allele CA345402967.